The following is an entry in ClinVar:

NM_001457.4(FLNB):c.6851C>A (p.Ser2284Tyr)

Gene: FLNB (filamin B; plus strand). Cytogenetic location: 3p14.3.
Variant type: single nucleotide variant.
Coding change: c.6851C>A on transcript NM_001457.4 (MANE Select); coding-DNA position 6851, C replaced by A.
Protein change: p.Ser2284Tyr; replaces serine 2284 with tyrosine.
Molecular consequence: missense variant.
Genome position (GRCh38, 1-based): chr3:58,156,038, C>A. VCF-style: chr3-58156038-C-A. GRCh37 (hg19) VCF-style: chr3-58141765-C-A.
Other names: c.6944C>A, p.Ser2315Tyr (NM_001164317.2); c.6818C>A, p.Ser2273Tyr (NM_001164318.2); c.6779C>A, p.Ser2260Tyr (NM_001164319.2); short protein forms S2315Y, S2273Y, S2284Y, S2260Y.
Identifiers: ClinVar variation 2811576 (VCV002811576.3), dbSNP rs2471232282, ClinGen allele CA353362274.
Genomic context (GRCh38, chr3:58,156,038, plus strand): 5'-TCAAGTTCAATGATGAGCACATCCCGGAAAGCCCCTACCTGGTGCCGGTCATCGCACCCT[C>A]CGACGACGCCCGCCGCCTCACTGTTATGAGCCTTCAGGTGAGATGCAAGGAAGCATCCAT-3'
Protein context (NP_001448.2, residues 2274-2294): SPYLVPVIAP[Ser2284Tyr]DDARRLTVMS

ClinVar aggregate classification (germline): Uncertain significance (1 of 4 stars; one submission).

Submission:

Labcorp Genetics (formerly Invitae), Labcorp
Classification: Uncertain significance. Last evaluated: 2022-11-02. Review status: criteria provided, single submitter. Criteria: Invitae Variant Classification Sherloc (09022015). Collection method: clinical testing. Allele origin: germline.
Comment: This sequence change replaces serine, which is neutral and polar, with tyrosine, which is neutral and polar, at codon 2284 of the FLNB protein (p.Ser2284Tyr). In summary, the available evidence is currently insufficient to determine the role of this variant in disease. Therefore, it has been classified as a Variant of Uncertain Significance. Advanced modeling of protein sequence and biophysical properties (such as structural, functional, and spatial information, amino acid conservation, physicochemical variation, residue mobility, and thermodynamic stability) performed at Invitae indicates that this missense variant is not expected to disrupt FLNB protein function. This variant has not been reported in the literature in individuals affected with FLNB-related conditions. This variant is not present in population databases (gnomAD no frequency).